The following is an entry in ClinVar:

NM_000135.4(FANCA):c.3348+5G>A

Gene: FANCA (FA complementation group A; minus strand). Cytogenetic location: 16q24.3.
Variant type: single nucleotide variant.
Coding change: c.3348+5G>A on transcript NM_000135.4 (MANE Select); 5 bases into the intron after coding-DNA position 3348, G replaced by A.
Molecular consequence: intron variant.
Genome position (GRCh38, 1-based): chr16:89,748,654, C>T on the plus strand (G>A on the coding strand, the complement: FANCA is on the minus strand). VCF-style: chr16-89748654-C-T. GRCh37 (hg19) VCF-style: chr16-89815062-C-T.
Other names: c.3348+5G>A (NM_001286167.3).
Identifiers: ClinVar variation 974352 (VCV000974352.1), dbSNP rs1343799019, ClinGen allele CA624280485.

ClinVar aggregate classification (germline): Pathogenic (0 of 4 stars; one submission).

Conditions:
Fanconi anemia complementation group A (FANCA). Also called: Fanconi anemia, group A; FANCA-Related Fanconi Anemia. Identifiers: Orphanet 84, MedGen C3469521, MONDO:0009215, OMIM 227650.

Allele frequency attached by ClinVar (database versions not stated): gnomAD exomes below 0.00001.
gnomAD v4.1: 1 of 1,611,120 alleles (0.000062%); highest among the groups gnomAD compares: Non-Finnish European, 0.000085%; no homozygotes.

Submission:

Leiden Open Variation Database
Classification: Pathogenic for Fanconi anemia complementation group A. Last evaluated: 2020-02-28. Review status: no assertion criteria provided. Collection method: curation. Allele origin: germline. Affected: yes.
Comment: Curator: Arleen D. Auerbach. Submitter to LOVD: Arleen D. Auerbach.

Literature cited by the submitters: PubMed 21273304.